The following is an entry in ClinVar:

ClinVar aggregate classification (germline): Likely benign. Review status: criteria provided, single submitter (1 of 4 stars). 2 submissions from 2 submitters: Likely benign (1). 1 of the submissions does not count toward it. Last evaluated 2023-02-01.

Conditions:
SETD1A-related disorder. Also called: SETD1A-related condition.

Allele frequency attached by ClinVar (database versions not stated): TOPMed below 0.00001; ExAC 0.00001; gnomAD 0.00002.
gnomAD v4.1: 9 of 1,562,638 alleles (0.00058%); highest among the groups gnomAD compares: African/African-American, 0.0014%; no homozygotes.

Submissions (2):

CeGaT Center for Human Genetics Tuebingen
Classification: Likely benign. Last evaluated: 2023-02-01. Review status: criteria provided, single submitter. Criteria: CeGaT Center For Human Genetics Tuebingen Variant Classification Criteria Version 2. Collection method: clinical testing. Allele origin: germline. Affected: yes. Observed: 1 variant allele.
Comment: SETD1A: BP4, BP7

PreventionGenetics, part of Exact Sciences
Classification: Likely benign for SETD1A-related condition. Last evaluated: 2019-09-10. Review status: no assertion criteria provided. Collection method: clinical testing. Allele origin: germline. Not counted in ClinVar's aggregate classification.
Comment: This variant is classified as likely benign based on ACMG/AMP sequence variant interpretation guidelines (Richards et al. 2015 PMID: 25741868, with internal and published modifications).

NM_014712.3(SETD1A):c.3129C>T (p.Ser1043=)

Gene: SETD1A (SET domain containing 1A, histone lysine methyltransferase; plus strand). Cytogenetic location: 16p11.2.
Variant type: single nucleotide variant.
Coding change: c.3129C>T on transcript NM_014712.3 (MANE Select); coding-DNA position 3129, C replaced by T.
Protein change: p.Ser1043=; no amino-acid change (serine 1043 retained).
Molecular consequence: synonymous variant.
Genome position (GRCh38, 1-based): chr16:30,971,490, C>T. VCF-style: chr16-30971490-C-T. GRCh37 (hg19) VCF-style: chr16-30982811-C-T.
Other names: c.3129C>T (NM_014712.2).
Identifiers: ClinVar variation 2498658 (VCV002498658.29), dbSNP rs531337171, ClinGen allele CA8017177.